The following is an entry in ClinVar:

NM_000787.4(DBH):c.1671C>T (p.Ser557=)

Genes: DBH (dopamine beta-hydroxylase; plus strand), DBH-AS1 (DBH antisense RNA 1; minus strand). Cytogenetic location: 9q34.2.
Variant type: single nucleotide variant.
Coding change: c.1671C>T on transcript NM_000787.4 (MANE Select); coding-DNA position 1671, C replaced by T.
Protein change: p.Ser557=; no amino-acid change (serine 557 retained).
Molecular consequence: synonymous variant. On other transcripts: non-coding transcript variant (1).
Genome position (GRCh38, 1-based): chr9:133,657,178, C>T. VCF-style: chr9-133657178-C-T. GRCh37 (hg19) VCF-style: chr9-136522300-C-T.
Other names: c.1671C>T (NM_000787.3).
Identifiers: ClinVar variation 1552055 (VCV001552055.11), dbSNP rs138716242, ClinGen allele CA5313641.

ClinVar aggregate classification (germline): Likely benign. Review status: criteria provided, multiple submitters, no conflicts (2 of 4 stars). 3 submissions from 3 submitters: Likely benign (2). 1 of the submissions does not count toward it. Last evaluated 2026-01-02.

Conditions:
Orthostatic hypotension 1 (ORTHYP1). Also called: Dopamine beta-hydroxylase deficiency; NORADRENALINE DEFICIENCY; NOREPINEPHRINE DEFICIENCY; Orthostatic hypotension 1, due to DBH deficiency. Identifiers: Orphanet 230, MedGen C4746777, MONDO:0009123, OMIM 223360.
DBH-related disorder. Also called: DBH-related condition.

Allele frequency attached by ClinVar (database versions not stated): gnomAD 0.00002 and 0.00005; TOPMed 0.00003; ESP Exome Variant Server 0.00015; 1000 Genomes Project 30x 0.00016; 1000 Genomes Project 0.00020.
gnomAD v4.1: 210 of 1,614,134 alleles (0.013%); highest among the groups gnomAD compares: South Asian, 0.18%; no homozygotes.

Submissions (3):

Labcorp Genetics (formerly Invitae), Labcorp
Classification: Likely benign for Orthostatic hypotension 1. Last evaluated: 2026-01-02. Review status: criteria provided, single submitter. Criteria: Invitae Variant Classification Sherloc (09022015). Collection method: clinical testing. Allele origin: germline.

Blueprint Genetics
Classification: Likely benign. Last evaluated: 2024-05-13. Review status: criteria provided, single submitter. Criteria: ACMG Guidelines, 2015. Collection method: clinical testing. Allele origin: germline.

PreventionGenetics, part of Exact Sciences
Classification: Likely benign for DBH-related condition. Last evaluated: 2020-01-20. Review status: no assertion criteria provided. Collection method: clinical testing. Allele origin: germline. Not counted in ClinVar's aggregate classification.
Comment: This variant is classified as likely benign based on ACMG/AMP sequence variant interpretation guidelines (Richards et al. 2015 PMID: 25741868, with internal and published modifications).